The following is an entry in ClinVar:

ClinVar aggregate classification (germline): Uncertain significance. Review status: criteria provided, multiple submitters, no conflicts (2 of 4 stars). 3 submissions from 3 submitters: Uncertain significance (3). Last evaluated 2024-08-07.

Conditions:
Inborn genetic diseases. Identifiers: MedGen C0950123, MeSH D030342.
Spastic paraplegia. Identifiers: MedGen C0037772, HP:0001258.

gnomAD v4.1: 55 of 1,425,108 alleles (0.0039%); highest among the groups gnomAD compares: African/African-American, 0.047%; 1 homozygote.

Submissions (3):

GeneDx
Classification: Uncertain significance. Last evaluated: 2024-08-07. Review status: criteria provided, single submitter. Criteria: GeneDx Variant Classification Process June 2021. Collection method: clinical testing. Allele origin: germline. Affected: yes.
Comment: In silico analysis indicates that this missense variant does not alter protein structure/function; Has not been previously published as pathogenic or benign to our knowledge; This variant is associated with the following publications: (PMID: 24359114)

Ambry Genetics
Classification: Uncertain significance for Inborn genetic diseases. Last evaluated: 2023-12-16. Review status: criteria provided, single submitter. Criteria: Ambry Variant Classification Scheme 2023. Collection method: clinical testing. Allele origin: germline.

Labcorp Genetics (formerly Invitae), Labcorp
Classification: Uncertain significance for Spastic paraplegia. Last evaluated: 2022-08-02. Review status: criteria provided, single submitter. Criteria: Invitae Variant Classification Sherloc (09022015). Collection method: clinical testing. Allele origin: germline.
Comment: This sequence change replaces arginine, which is basic and polar, with cysteine, which is neutral and slightly polar, at codon 28 of the FA2H protein (p.Arg28Cys). The frequency data for this variant in the population databases is considered unreliable, as metrics indicate poor data quality at this position in the gnomAD database. This variant has not been reported in the literature in individuals affected with FA2H-related conditions. ClinVar contains an entry for this variant (Variation ID: 1219530). Algorithms developed to predict the effect of missense changes on protein structure and function are either unavailable or do not agree on the potential impact of this missense change (SIFT: "Tolerated"; PolyPhen-2: "Possibly Damaging"; Align-GVGD: "Class C0"). In summary, the available evidence is currently insufficient to determine the role of this variant in disease. Therefore, it has been classified as a Variant of Uncertain Significance.

NM_024306.5(FA2H):c.82C>T (p.Arg28Cys)

Genes: FA2H (fatty acid 2-hydroxylase; minus strand), LOC130059394 (ATAC-STARR-seq lymphoblastoid silent region 7701; plus strand). Cytogenetic location: 16q23.1.
Variant type: single nucleotide variant.
Coding change: c.82C>T on transcript NM_024306.5 (MANE Select); coding-DNA position 82, C replaced by T.
Protein change: p.Arg28Cys; replaces arginine 28 with cysteine.
Molecular consequence: missense variant.
Genome position (GRCh38, 1-based): chr16:74,774,674, G>A on the plus strand (C>T on the coding strand, the complement: FA2H is on the minus strand). VCF-style: chr16-74774674-G-A. GRCh37 (hg19) VCF-style: chr16-74808572-G-A.
Other names: short protein forms R28C.
Identifiers: ClinVar variation 1219530 (VCV001219530.10), dbSNP rs775172785, ClinGen allele CA8170629.